The following is an entry in ClinVar:

ClinVar aggregate classification (germline): Uncertain significance (1 of 4 stars; one submission).

Conditions:
Inborn genetic diseases. Identifiers: MedGen C0950123, MeSH D030342.

Submission:

Ambry Genetics
Classification: Uncertain significance for Inborn genetic diseases. Last evaluated: 2025-06-08. Review status: criteria provided, single submitter. Criteria: Ambry Variant Classification Scheme 2023. Collection method: clinical testing. Allele origin: germline.
Comment: The p.F110L variant (also known as c.328T>C), located in coding exon 2 of the MBD4 gene, results from a T to C substitution at nucleotide position 328. The phenylalanine at codon 110 is replaced by leucine, an amino acid with highly similar properties. This amino acid position is conserved. In addition, the in silico prediction for this alteration is inconclusive. Based on the available evidence, the clinical significance of this variant remains unclear.

NM_001276270.2(MBD4):c.328T>C (p.Phe110Leu)

Gene: MBD4 (methyl-CpG binding domain 4, DNA glycosylase; minus strand). Cytogenetic location: 3q21.3.
Variant type: single nucleotide variant.
Coding change: c.328T>C on transcript NM_001276270.2 (MANE Select); coding-DNA position 328, T replaced by C.
Protein change: p.Phe110Leu; replaces phenylalanine 110 with leucine.
Molecular consequence: missense variant. On other transcripts: intron variant (1).
Genome position (GRCh38, 1-based): chr3:129,437,727, A>G on the plus strand (T>C on the coding strand, the complement: MBD4 is on the minus strand). VCF-style: chr3-129437727-A-G. GRCh37 (hg19) VCF-style: chr3-129156570-A-G.
Other names: c.328T>C, p.Phe110Leu (NM_001276271.2, NM_001276272.2, NM_003925.3); c.247+81T>C (NM_001276273.2); short protein forms F110L.
Identifiers: ClinVar variation 4052249 (VCV004052249.1).